The following is an entry in ClinVar:

NM_001130438.3(SPTAN1):c.6070-12C>T

Gene: SPTAN1 (spectrin alpha, non-erythrocytic 1; plus strand). Cytogenetic location: 9q34.11.
Variant type: single nucleotide variant.
Coding change: c.6070-12C>T on transcript NM_001130438.3 (MANE Select); 12 bases into the intron before coding-DNA position 6070, C replaced by T.
Molecular consequence: intron variant.
Genome position (GRCh38, 1-based): chr9:128,625,757, C>T. VCF-style: chr9-128625757-C-T. GRCh37 (hg19) VCF-style: chr9-131388036-C-T.
Other names: c.6070-12C>T (NM_001363759.2); c.6055-12C>T (NM_003127.4); c.6010-12C>T (NM_001363765.2); c.5995-12C>T (NM_001195532.2).
Identifiers: ClinVar variation 682183 (VCV000682183.9), dbSNP rs771489152, ClinGen allele CA5265639.

ClinVar aggregate classification (germline): Likely benign. Review status: criteria provided, multiple submitters, no conflicts (2 of 4 stars). 2 submissions from 2 submitters: Likely benign (2). Last evaluated 2024-10-17.

Conditions:
Early-infantile DEE. Also called: Ohtahara syndrome; Early infantile epileptic encephalopathy; Early infantile epileptic encephalopathy with suppression bursts. Identifiers: Orphanet 1934, MedGen C0393706, MONDO:0800491.

Allele frequency attached by ClinVar (database versions not stated): gnomAD exomes below 0.00001; ExAC 0.00001.
gnomAD v4.1: 6 of 1,613,656 alleles (0.00037%); highest among the groups gnomAD compares: Admixed American, 0.0033%; no homozygotes.

Submissions (2):

Labcorp Genetics (formerly Invitae), Labcorp
Classification: Likely benign for Early-infantile DEE. Last evaluated: 2024-10-17. Review status: criteria provided, single submitter. Criteria: Invitae Variant Classification Sherloc (09022015). Collection method: clinical testing. Allele origin: germline.

GeneDx
Classification: Likely benign. Last evaluated: 2018-04-18. Review status: criteria provided, single submitter. Criteria: GeneDx Variant Classification (06012015). Collection method: clinical testing. Allele origin: germline. Affected: yes.
Comment: This variant is considered likely benign or benign based on one or more of the following criteria: it is a conservative change, it occurs at a poorly conserved position in the protein, it is predicted to be benign by multiple in silico algorithms, and/or has population frequency not consistent with disease.